The following is an entry in ClinVar:

NM_001366521.1(ATP2B1):c.701A>G (p.Asn234Ser)

Gene: ATP2B1 (ATPase plasma membrane Ca2+ transporting 1; minus strand). Cytogenetic location: 12q21.33.
Variant type: single nucleotide variant.
Coding change: c.701A>G on transcript NM_001366521.1 (MANE Select); coding-DNA position 701, A replaced by G.
Protein change: p.Asn234Ser; replaces asparagine 234 with serine.
Molecular consequence: missense variant. On other transcripts: non-coding transcript variant (3), intron variant (5).
Genome position (GRCh38, 1-based): chr12:89,634,864, T>C on the plus strand (A>G on the coding strand, the complement: ATP2B1 is on the minus strand). VCF-style: chr12-89634864-T-C. GRCh37 (hg19) VCF-style: chr12-90028641-T-C.
Other names: c.701A>G, p.Asn234Ser (NM_001001323.2, NM_001366520.1, NM_001366522.1 and 17 more transcripts); c.503A>G, p.Asn168Ser (NM_001366530.1, NM_001413053.1); c.446A>G, p.Asn149Ser (NM_001413056.1); c.248A>G, p.Asn83Ser (NM_001413057.1); c.406+7294A>G (NM_001413060.1, NM_001366531.1, NM_001413058.1 and 2 more transcripts); short protein forms N149S, N168S, N234S, N83S.
Identifiers: ClinVar variation 3391733 (VCV003391733.1).

ClinVar aggregate classification (germline): Uncertain significance (1 of 4 stars; one submission).

Submission:

GeneDx
Classification: Uncertain significance. Last evaluated: 2024-06-17. Review status: criteria provided, single submitter. Criteria: GeneDx Variant Classification Process June 2021. Collection method: clinical testing. Allele origin: germline. Affected: yes.
Comment: In silico analysis supports that this missense variant has a deleterious effect on protein structure/function; Has not been previously published as pathogenic or benign to our knowledge